The following is an entry in ClinVar:

NM_000051.4(ATM):c.1381G>A (p.Glu461Lys)

Gene: ATM (ATM serine/threonine kinase; plus strand). Cytogenetic location: 11q22.3.
Variant type: single nucleotide variant.
Coding change: c.1381G>A on transcript NM_000051.4 (MANE Select); coding-DNA position 1381, G replaced by A.
Protein change: p.Glu461Lys; replaces glutamic acid 461 with lysine.
Molecular consequence: missense variant.
Genome position (GRCh38, 1-based): chr11:108,250,846, G>A. VCF-style: chr11-108250846-G-A. GRCh37 (hg19) VCF-style: chr11-108121573-G-A.
Other names: c.1381G>A, p.Glu461Lys (NM_001351834.2); short protein forms E461K.
Identifiers: ClinVar variation 570213 (VCV000570213.10), dbSNP rs781578507, ClinGen allele CA6264811.
Genomic context (GRCh38, chr11:108,250,846, plus strand): 5'-CAGCTTCTACCCCAACAGCGACATGGGGAACGTACACCATATGTGTTACGATGCCTTACG[G>A]AAGTTGCATTGTGTCAAGACAAGAGGTCAAACCTAGAAAGCTCACAAAAGTCAGATTTAT-3'
Protein context (NP_000042.3, residues 451-471): RTPYVLRCLT[Glu461Lys]VALCQDKRSN

ClinVar aggregate classification (germline): Uncertain significance. Review status: criteria provided, multiple submitters, no conflicts (2 of 4 stars). 3 submissions from 3 submitters: Uncertain significance (3). Last evaluated 2026-07-22.

Conditions:
Hereditary cancer-predisposing syndrome. Also called: Neoplastic Syndromes, Hereditary; Hereditary Cancer Syndrome; Hereditary neoplastic syndrome; Tumor predisposition. Identifiers: Orphanet 140162, MedGen C0027672, MeSH D009386, MONDO:0015356.
Familial cancer of breast. Also called: hereditary breast carcinoma; BREAST CANCER, FAMILIAL; Hereditary breast cancer. Identifiers: Orphanet 227535, MedGen C0346153, MONDO:0016419, OMIM 114480. Disease mechanism: loss of function.
Ataxia-telangiectasia syndrome (AT). Also called: LOUIS-BAR SYNDROME; Ataxia telangiectasia (A-T); Ataxia-telangiectasia, complementation group D; AT, COMPLEMENTATION GROUP C; Cerebello-oculocutaneous telangiectasia; Immunodeficiency with ataxia telangiectasia. Identifiers: Orphanet 100, MedGen C0004135, MONDO:0008840, OMIM 208900.

Allele frequency attached by ClinVar (database versions not stated): gnomAD exomes below 0.00001 and 0.00001; ExAC 0.00001.

Submissions (3):

Ambry Genetics
Classification: Uncertain significance for Hereditary cancer-predisposing syndrome. Last evaluated: 2026-07-22. Review status: criteria provided, single submitter. Criteria: Ambry Variant Classification Scheme 2023. Collection method: clinical testing. Allele origin: germline.
Comment: The p.E461K variant (also known as c.1381G>A), located in coding exon 9 of the ATM gene, results from a G to A substitution at nucleotide position 1381. The glutamic acid at codon 461 is replaced by lysine, an amino acid with similar properties. In an assay testing ATM function, this variant showed a functionally normal result (Lee KS et al. Cell, 2025 Sep;188:5081-5099.e27). This amino acid position is highly conserved in available vertebrate species. In addition, the in silico prediction for this alteration is inconclusive. Based on the available evidence, the clinical significance of this variant remains unclear.

Labcorp Genetics (formerly Invitae), Labcorp
Classification: Uncertain significance for Ataxia-telangiectasia syndrome. Last evaluated: 2025-11-19. Review status: criteria provided, single submitter. Criteria: Invitae Variant Classification Sherloc (09022015). Collection method: clinical testing. Allele origin: germline.
Comment: This sequence change replaces glutamic acid, which is acidic and polar, with lysine, which is basic and polar, at codon 461 of the ATM protein (p.Glu461Lys). This variant is present in population databases (rs781578507, gnomAD 0.003%). This variant has not been reported in the literature in individuals affected with ATM-related conditions. ClinVar contains an entry for this variant (Variation ID: 570213). Invitae Evidence Modeling of protein sequence and biophysical properties (such as structural, functional, and spatial information, amino acid conservation, physicochemical variation, residue mobility, and thermodynamic stability) indicates that this missense variant is not expected to disrupt ATM protein function with a negative predictive value of 95%. In summary, the available evidence is currently insufficient to determine the role of this variant in disease. Therefore, it has been classified as a Variant of Uncertain Significance.

Baylor Genetics
Classification: Uncertain significance for Familial cancer of breast. Last evaluated: 2023-08-30. Review status: criteria provided, single submitter. Criteria: ACMG Guidelines, 2015. Collection method: clinical testing. Allele origin: unknown.

Literature cited by the submitters: PubMed 40580951 (cited by Ambry Genetics).